The following is an entry in ClinVar:

NM_001164508.2(NEB):c.8239A>T (p.Lys2747Ter)

Gene: NEB (nebulin; minus strand). Cytogenetic location: 2q23.3.
Variant type: single nucleotide variant.
Coding change: c.8239A>T on transcript NM_001164508.2 (MANE Select); coding-DNA position 8239, A replaced by T.
Protein change: p.Lys2747Ter; replaces lysine 2747 with a stop codon.
Molecular consequence: nonsense.
Genome position (GRCh38, 1-based): chr2:151,642,791, T>A on the plus strand (A>T on the coding strand, the complement: NEB is on the minus strand). VCF-style: chr2-151642791-T-A. GRCh37 (hg19) VCF-style: chr2-152499305-T-A.
Other names: c.8239A>T, p.Lys2747Ter (NM_001164507.2, NM_001271208.2, NM_004543.5); short protein forms K2747*.
Identifiers: ClinVar variation 1724037 (VCV001724037.2), dbSNP rs2552246654, ClinGen allele CA348812799.

ClinVar aggregate classification (germline): Likely pathogenic (1 of 4 stars; one submission).

Conditions:
Nemaline myopathy 2 (NEM2). Also called: Nemaline myopathy 2, autosomal recessive. Identifiers: MedGen C1850569, MONDO:0009725, OMIM 256030.

Submission:

Myriad Genetics, Inc.
Classification: Likely pathogenic for Nemaline myopathy 2. Last evaluated: 2022-01-24. Review status: criteria provided, single submitter. Criteria: Myriad Women's Health Autosomal Recessive and X-Linked Classification Criteria (2021). Collection method: clinical testing. Allele origin: unknown.
Comment: NM_001271208.1(NEB):c.8239A>T(K2747*) is expected to be pathogenic in the context of NEB-related nemaline myopathy. This variant is predicted to lead to an abnormal or absent protein product due to the creation of a premature termination codon in NEB, a gene where loss-of-function variants are known to be pathogenic. Please note: this variant was assessed in the context of healthy population screening.